The following is an entry in ClinVar:

ClinVar aggregate classification (germline): Benign. Review status: criteria provided, single submitter (1 of 4 stars). 2 submissions from 2 submitters: Benign (1). 1 of the submissions does not count toward it. Last evaluated 2025-12-24.

Conditions:
ANKZF1-related disorder. Also called: ANKZF1-related condition.

Allele frequency attached by ClinVar (database versions not stated): gnomAD 0.00001 and 0.00018; TOPMed 0.00005; gnomAD exomes 0.00033 and 0.00067; 1000 Genomes Project 30x 0.00047; 1000 Genomes Project 0.00060; ExAC 0.00075.
gnomAD v4.1: 515 of 1,614,170 alleles (0.032%); highest among the groups gnomAD compares: South Asian, 0.53%; 7 homozygotes.

Submissions (2):

Labcorp Genetics (formerly Invitae), Labcorp
Classification: Benign. Last evaluated: 2025-12-24. Review status: criteria provided, single submitter. Criteria: Invitae Variant Classification Sherloc (09022015). Collection method: clinical testing. Allele origin: germline.

PreventionGenetics, part of Exact Sciences
Classification: Likely benign for ANKZF1-related condition. Last evaluated: 2019-05-15. Review status: no assertion criteria provided. Collection method: clinical testing. Allele origin: germline. Not counted in ClinVar's aggregate classification.
Comment: This variant is classified as likely benign based on ACMG/AMP sequence variant interpretation guidelines (Richards et al. 2015 PMID: 25741868, with internal and published modifications).

NM_018089.3(ANKZF1):c.1962C>T (p.Asp654=)

Gene: ANKZF1 (ankyrin repeat and zinc finger peptidyl tRNA hydrolase 1; plus strand). Cytogenetic location: 2q35.
Variant type: single nucleotide variant.
Coding change: c.1962C>T on transcript NM_018089.3 (MANE Select); coding-DNA position 1962, C replaced by T.
Protein change: p.Asp654=; no amino-acid change (aspartic acid 654 retained).
Molecular consequence: synonymous variant.
Genome position (GRCh38, 1-based): chr2:219,235,866, C>T. VCF-style: chr2-219235866-C-T. GRCh37 (hg19) VCF-style: chr2-220100588-C-T.
Other names: c.1962C>T, p.Asp654= (NM_001042410.2); c.1332C>T, p.Asp444= (NM_001282792.2); c.1962C>T (NM_018089.2).
Identifiers: ClinVar variation 1538900 (VCV001538900.10), dbSNP rs529584221, ClinGen allele CA2121240.